The following is an entry in ClinVar:

NM_004360.5(CDH1):c.387+1G>C

Gene: CDH1 (cadherin 1; plus strand). Cytogenetic location: 16q22.1.
Variant type: single nucleotide variant.
Coding change: c.387+1G>C on transcript NM_004360.5 (MANE Select); the canonical splice donor site of the intron after coding-DNA position 387, G replaced by C.
Molecular consequence: splice donor variant.
Genome position (GRCh38, 1-based): chr16:68,801,894, G>C. VCF-style: chr16-68801894-G-C. GRCh37 (hg19) VCF-style: chr16-68835797-G-C.
Other names: c.-1229+1G>C (NM_001317185.2); c.-1433+1G>C (NM_001317186.2); c.387+1G>C (NM_001317184.2).
Identifiers: ClinVar variation 664945 (VCV000664945.9), dbSNP rs587781919, ClinGen allele CA396457507.

ClinVar aggregate classification (germline): Uncertain significance (1 of 4 stars; one submission).

Conditions:
Hereditary diffuse gastric adenocarcinoma (HDGC). Also called: DIFFUSE GASTRIC AND LOBULAR BREAST CANCER SYNDROME. Identifiers: Orphanet 26106, MedGen C1708349, MONDO:0007648, OMIM 137215.

Submission:

Labcorp Genetics (formerly Invitae), Labcorp
Classification: Uncertain significance for Hereditary diffuse gastric adenocarcinoma. Last evaluated: 2023-11-05. Review status: criteria provided, single submitter. Criteria: Invitae Variant Classification Sherloc (09022015). Collection method: clinical testing. Allele origin: germline.
Comment: This sequence change affects a donor splice site in intron 3 of the CDH1 gene. It is expected to disrupt RNA splicing. Variants that disrupt the donor or acceptor splice site typically lead to a loss of protein function (PMID: 16199547), and loss-of-function variants in CDH1 are known to be pathogenic (PMID: 15235021, 20373070). This variant is not present in population databases (gnomAD no frequency). This variant has not been reported in the literature in individuals affected with CDH1-related conditions. ClinVar contains an entry for this variant (Variation ID: 664945). Studies have shown that disruption of this splice site is associated with altered splicing resulting in multiple RNA products (PMID: 31642931; Invitae; Poster G20 in an online resource(16)30178-7/pdf). In summary, the available evidence is currently insufficient to determine the role of this variant in disease. Therefore, it has been classified as a Variant of Uncertain Significance.

Literature cited by the submitters: PubMed 16199547; PubMed 15235021; PubMed 20373070; PubMed 31642931; PubMed 20; PubMed 1525; PubMed 1578; PubMed 16.